The following is an entry in ClinVar:

ClinVar aggregate classification (germline): Uncertain significance (1 of 4 stars; one submission).

Submission:

Ambry Genetics
Classification: Uncertain significance. Last evaluated: 2022-09-12. Review status: criteria provided, single submitter. Criteria: Ambry Variant Classification Scheme 2023. Collection method: clinical testing. Allele origin: germline.
Comment: The p.P1638S variant (also known as c.4912C>T), located in coding exon 37 of the PRKDC gene, results from a C to T substitution at nucleotide position 4912. The proline at codon 1638 is replaced by serine, an amino acid with similar properties. This amino acid position is conserved. In addition, this alteration is predicted to be tolerated by in silico analysis. Since supporting evidence is limited at this time, the clinical significance of this alteration remains unclear.

NM_006904.7(PRKDC):c.4912C>T (p.Pro1638Ser)

Gene: PRKDC (protein kinase, DNA-activated, catalytic subunit; minus strand). Cytogenetic location: 8q11.21.
Variant type: single nucleotide variant.
Coding change: c.4912C>T on transcript NM_006904.7 (MANE Select); coding-DNA position 4912, C replaced by T.
Protein change: p.Pro1638Ser; replaces proline 1638 with serine.
Molecular consequence: missense variant.
Genome position (GRCh38, 1-based): chr8:47,881,962, G>A on the plus strand (C>T on the coding strand, the complement: PRKDC is on the minus strand). VCF-style: chr8-47881962-G-A. GRCh37 (hg19) VCF-style: chr8-48794523-G-A.
Other names: c.4912C>T, p.Pro1638Ser (NM_001081640.2); short protein forms P1638S.
Identifiers: ClinVar variation 1744060 (VCV001744060.2), dbSNP rs2551872690, ClinGen allele CA371141655.
Genomic context (GRCh38, chr8:47,881,962, plus strand): 5'-AATTGAATACCTGTAAAATTTTTGCCAGTAAGGCCAGCACTGCCATTTTAGTTTCGAGAG[G>A]GGAATCTTTGGCCCACCATGAATCACACTTCTTCCAGTGTTGCAGAATTGTAGTCGCAAG-3'
Protein context (NP_008835.5, residues 1628-1648): KCDSWWAKDS[Pro1638Ser]LETKMAVLAL